The following is an entry in ClinVar:

ClinVar aggregate classification (germline): Likely benign. Review status: criteria provided, single submitter (1 of 4 stars). 2 submissions from 2 submitters: Likely benign (1). 1 of the submissions does not count toward it. Last evaluated 2024-02-23.

Conditions:
OTOF-related disorder. Also called: OTOF-related condition.

Allele frequency attached by ClinVar (database versions not stated): gnomAD exomes below 0.00001; TOPMed 0.00001; ExAC 0.00003.
gnomAD v4.1: 5 of 1,594,560 alleles (0.00031%); highest among the groups gnomAD compares: Middle Eastern, 0.017%; no homozygotes.

Submissions (2):

Labcorp Genetics (formerly Invitae), Labcorp
Classification: Likely benign. Last evaluated: 2024-02-23. Review status: criteria provided, single submitter. Criteria: Invitae Variant Classification Sherloc (09022015). Collection method: clinical testing. Allele origin: germline.

PreventionGenetics, part of Exact Sciences
Classification: Likely benign for OTOF-related condition. Last evaluated: 2019-12-05. Review status: no assertion criteria provided. Collection method: clinical testing. Allele origin: germline. Not counted in ClinVar's aggregate classification.
Comment: This variant is classified as likely benign based on ACMG/AMP sequence variant interpretation guidelines (Richards et al. 2015 PMID: 25741868, with internal and published modifications).

NM_194248.3(OTOF):c.231C>T (p.Leu77=)

Gene: OTOF (otoferlin; minus strand). Cytogenetic location: 2p23.3.
Variant type: single nucleotide variant.
Coding change: c.231C>T on transcript NM_194248.3 (MANE Select); coding-DNA position 231, C replaced by T.
Protein change: p.Leu77=; no amino-acid change (leucine 77 retained).
Molecular consequence: synonymous variant.
Genome position (GRCh38, 1-based): chr2:26,519,106, G>A on the plus strand (C>T on the coding strand, the complement: OTOF is on the minus strand). VCF-style: chr2-26519106-G-A. GRCh37 (hg19) VCF-style: chr2-26741974-G-A.
Other names: c.231C>T (NM_194248.2); c.231C>T, p.Leu77= (NM_001287489.2).
Identifiers: ClinVar variation 2895373 (VCV002895373.5), dbSNP rs779951897, ClinGen allele CA1564741.